The following is an entry in ClinVar:

NM_005045.4(RELN):c.1583A>G (p.Asn528Ser)

Gene: RELN (reelin; minus strand). Cytogenetic location: 7q22.1.
Variant type: single nucleotide variant.
Coding change: c.1583A>G on transcript NM_005045.4 (MANE Select); coding-DNA position 1583, A replaced by G.
Protein change: p.Asn528Ser; replaces asparagine 528 with serine.
Molecular consequence: missense variant.
Genome position (GRCh38, 1-based): chr7:103,652,731, T>C on the plus strand (A>G on the coding strand, the complement: RELN is on the minus strand). VCF-style: chr7-103652731-T-C. GRCh37 (hg19) VCF-style: chr7-103293178-T-C.
Other names: c.1583A>G, p.Asn528Ser (NM_173054.3); short protein forms N528S.
Identifiers: ClinVar variation 849468 (VCV000849468.9), dbSNP rs1217281315, ClinGen allele CA368765963.
Genomic context (GRCh38, chr7:103,652,731, plus strand): 5'-TGTCCTTGATGGTTCTTTTGCCTGAGACAAAATTTGGTAGCAGGAGTCTGAAGTTCAGGA[T>C]TGATGACCACAGAAACCAAAGACGGAACCTTTCAAACAAAGGAGACCAGAATCACTCAAA-3'
Protein context (NP_005036.2, residues 518-538): KVPSLVSVVI[Asn528Ser]PELQTPATKF

ClinVar aggregate classification (germline): Uncertain significance (1 of 4 stars; one submission).

Conditions:
Norman-Roberts syndrome (LIS2). Also called: Lissencephaly 2 (Norman-Roberts type). Identifiers: Orphanet 89844, MedGen C0796089, MONDO:0009760, OMIM 257320.
Familial temporal lobe epilepsy 7. Identifiers: Orphanet 101046, MedGen C4225327, MONDO:0014639, OMIM 616436.

Allele frequency attached by ClinVar (database versions not stated): gnomAD exomes below 0.00001; TOPMed 0.00001.
gnomAD v4.1: 4 of 1,612,782 alleles (0.00025%); highest among the groups gnomAD compares: South Asian, 0.0011%; no homozygotes.

Submission:

Labcorp Genetics (formerly Invitae), Labcorp
Classification: Uncertain significance for Familial temporal lobe epilepsy 7; Norman-Roberts syndrome. Last evaluated: 2023-09-25. Review status: criteria provided, single submitter. Criteria: Invitae Variant Classification Sherloc (09022015). Collection method: clinical testing. Allele origin: germline.
Comment: ClinVar contains an entry for this variant (Variation ID: 849468). This variant has not been reported in the literature in individuals affected with RELN-related conditions. This variant is not present in population databases (gnomAD no frequency). This sequence change replaces asparagine, which is neutral and polar, with serine, which is neutral and polar, at codon 528 of the RELN protein (p.Asn528Ser). Advanced modeling of protein sequence and biophysical properties (such as structural, functional, and spatial information, amino acid conservation, physicochemical variation, residue mobility, and thermodynamic stability) performed at Invitae indicates that this missense variant is not expected to disrupt RELN protein function. In summary, the available evidence is currently insufficient to determine the role of this variant in disease. Therefore, it has been classified as a Variant of Uncertain Significance.